The following is an entry in ClinVar:

ClinVar aggregate classification (germline): Pathogenic (1 of 4 stars; one submission).

Submission:

Labcorp Genetics (formerly Invitae), Labcorp
Classification: Pathogenic. Last evaluated: 2021-11-11. Review status: criteria provided, single submitter. Criteria: Invitae Variant Classification Sherloc (09022015). Collection method: clinical testing. Allele origin: germline.
Comment: This variant has not been reported in the literature in individuals affected with ABCB11-related conditions. Algorithms developed to predict the effect of sequence changes on RNA splicing suggest that this variant may create or strengthen a splice site. Retrotransposon insertions including LINE1 (L1), Alu, and SVA (SINE-VNTR-Alu) have been reported to be disease-causing through disruption of either a coding region or splice site (PMID: 19763152, 20307669, 22406018) and loss-of-function variants in ABCB11 are known to be pathogenic (PMID: 18395098, 20232290). For these reasons, this variant has been classified as Pathogenic. This variant is not present in population databases (gnomAD no frequency). This sequence change inserts a large fragment of DNA, likely a transposable element, in exon 9 of the ABCB11 gene (c.906_907ins121), causing a frameshift at codon 303 (p.Arg303fs). The exact size and sequence of the insertion cannot be determined by the current assay. However, the insertion is expected to result in an absent or disrupted protein product.

Literature cited by the submitters: PubMed 19763152; PubMed 20307669; PubMed 22406018; PubMed 18395098; PubMed 20232290.

NM_003742.4(ABCB11):c.906_907insTGGGAGAAAATTTTTGCAACCTACTCATCTGACAAAGGGCTAATATCCAGAATCTACAATGACCTCAAACAAATNNNNNNNNNNAAAAAAAAAAAAAAAAAAAAAGAAAAGAGAGGTTGAA (p.Arg303delinsTrpGluLysIlePheAlaThrTyrSerSerAspLysGlyLeuIleSerArgIleTyrAsnAspLeuLysGlnXaaXaaXaaXaaLysLysLysLysLysLysLysGluLysArgGlyTer)

Gene: ABCB11 (ATP binding cassette subfamily B member 11; minus strand). Cytogenetic location: 2q31.1.
Variant type: Insertion.
Coding change: c.906_907insTGGGAGAAAATTTTTGCAACCTACTCATCTGACAAAGGGCTAATATCCAGAATCTACAATGACCTCAAACAAATNNNNNNNNNNAAAAAAAAAAAAAAAAAAAAAGAAAAGAGAGGTTGAA on transcript NM_003742.4 (MANE Select); coding-DNA positions 906 to 907, TGGGAGAAAATTTTTGCAACCTACTCATCTGACAAAGGGCTAATATCCAGAATCTACAATGACCTCAAACAAATNNNNNNNNNNAAAAAAAAAAAAAAAAAAAAAGAAAAGAGAGGTTGAA inserted.
Protein change: p.Arg303delinsTrpGluLysIlePheAlaThrTyrSerSerAspLysGlyLeuIleSerArgIleTyrAsnAspLeuLysGlnXaaXaaXaaXaaLysLysLysLysLysLysLysGluLysArgGlyTer.
Molecular consequence: nonsense.
Genome position: GRCh38: chr2:168,990,819-168,990,820. GRCh37 (hg19): chr2:169,847,329-169,847,330.
Identifiers: ClinVar variation 1452554 (VCV001452554.6), dbSNP rs2106004684.